The following is an entry in ClinVar:

NM_001040716.2(PC):c.585G>A (p.Ala195=)

Gene: PC (pyruvate carboxylase; minus strand). Cytogenetic location: 11q13.2.
Variant type: single nucleotide variant.
Coding change: c.585G>A on transcript NM_001040716.2 (MANE Select); coding-DNA position 585, G replaced by A.
Protein change: p.Ala195=; no amino-acid change (alanine 195 retained).
Molecular consequence: synonymous variant.
Genome position (GRCh38, 1-based): chr11:66,871,100, C>T on the plus strand (G>A on the coding strand, the complement: PC is on the minus strand). VCF-style: chr11-66871100-C-T. GRCh37 (hg19) VCF-style: chr11-66638571-C-T.
Other names: c.585G>A, p.Ala195= (NM_000920.4, NM_022172.3); c.585G>A (NM_001040716.1).
Identifiers: ClinVar variation 2195648 (VCV002195648.6), dbSNP rs375925670, ClinGen allele CA6132181.

ClinVar aggregate classification (germline): Likely benign. Review status: criteria provided, single submitter (1 of 4 stars). 2 submissions from 2 submitters: Likely benign (1). 1 of the submissions does not count toward it. Last evaluated 2024-12-16.

Conditions:
PC-related disorder. Also called: PC-related condition.
Pyruvate carboxylase deficiency. Also called: Pyruvate Carboxylase Deficiency Disease; ATAXIA WITH LACTIC ACIDOSIS II; LEIGH NECROTIZING ENCEPHALOPATHY DUE TO PYRUVATE CARBOXYLASE DEFICIENCY; LEIGH SYNDROME DUE TO PYRUVATE CARBOXYLASE DEFICIENCY; PC DEFICIENCY. Identifiers: Orphanet 3008, MedGen C0034341, MONDO:0009949, OMIM 266150.

Allele frequency attached by ClinVar (database versions not stated): ESP Exome Variant Server 0.00008.
gnomAD v4.1: 25 of 1,613,918 alleles (0.0015%); highest among the groups gnomAD compares: African/African-American, 0.028%; no homozygotes.

Submissions (2):

Labcorp Genetics (formerly Invitae), Labcorp
Classification: Likely benign for Pyruvate carboxylase deficiency. Last evaluated: 2024-12-16. Review status: criteria provided, single submitter. Criteria: Invitae Variant Classification Sherloc (09022015). Collection method: clinical testing. Allele origin: germline.

PreventionGenetics, part of Exact Sciences
Classification: Likely benign for PC-related condition. Last evaluated: 2019-02-28. Review status: no assertion criteria provided. Collection method: clinical testing. Allele origin: germline. Not counted in ClinVar's aggregate classification.
Comment: This variant is classified as likely benign based on ACMG/AMP sequence variant interpretation guidelines (Richards et al. 2015 PMID: 25741868, with internal and published modifications).